The following is an entry in ClinVar:

ClinVar aggregate classification (germline): Pathogenic/Likely pathogenic. Review status: criteria provided, multiple submitters, no conflicts (2 of 4 stars). 5 submissions from 5 submitters: Pathogenic (2); Likely pathogenic (2). 1 of the submissions does not count toward it. Last evaluated 2025-09-10.

Conditions:
Muscular dystrophy-dystroglycanopathy (congenital with brain and eye anomalies), type A5. Also called: WALKER-WARBURG SYNDROME OR MUSCLE-EYE-BRAIN DISEASE, FKRP-RELATED; MUSCULAR DYSTROPHY-DYSTROGLYCANOPATHY (CONGENITAL WITH BRAIN AND EYE ANOMALIES), TYPE A, 5. Identifiers: Orphanet 588, Orphanet 899, MedGen C3150413, MONDO:0013157, OMIM 613153.
Autosomal recessive limb-girdle muscular dystrophy type 2I. Also called: MUSCULAR DYSTROPHY-DYSTROGLYCANOPATHY (LIMB-GIRDLE), TYPE C, 5; MUSCULAR DYSTROPHY, LIMB-GIRDLE, TYPE 2I; MUSCULAR DYSTROPHY-DYSTROGLYCANOPATHY, LIMB-GIRDLE, FRKP-RELATED. Identifiers: Orphanet 34515, MedGen C1846672, MONDO:0011787, OMIM 607155.
Walker-Warburg congenital muscular dystrophy. Also called: Muscular dystrophy-dystroglycanopathy, type A; Walker-Warburg syndrome. Identifiers: Orphanet 899, MedGen C0265221, MONDO:0000171.
Muscular dystrophy-dystroglycanopathy type B5 (MDDGB5). Also called: MUSCULAR DYSTROPHY-DYSTROGLYCANOPATHY (CONGENITAL WITH OR WITHOUT IMPAIRED INTELLECTUAL DEVELOPMENT), TYPE B, 5; MUSCULAR DYSTROPHY, CONGENITAL, 1C; MUSCULAR DYSTROPHY, CONGENITAL, FKRP-RELATED. Identifiers: MedGen C1847759, MONDO:0011688, OMIM 606612.

gnomAD v4.1: 2 of 1,584,568 alleles (0.00013%); highest among the groups gnomAD compares: Non-Finnish European, 0.00017%; no homozygotes.

Submissions (5):

Genomic Medicine Center of Excellence, King Faisal Specialist Hospital and Research Centre
Classification: Pathogenic for Muscular dystrophy-dystroglycanopathy type B5. Last evaluated: 2025-09-10. Review status: criteria provided, single submitter. Criteria: ACMG Guidelines, 2015. Collection method: clinical testing. Allele origin: germline.

3billion
Classification: Likely pathogenic for Muscular dystrophy-dystroglycanopathy (congenital with brain and eye anomalies), type A5. Last evaluated: 2024-08-16. Review status: criteria provided, single submitter. Criteria: ACMG Guidelines, 2015. Collection method: clinical testing. Allele origin: germline. Affected: yes.
Comment: The variant is observed at an extremely low frequency in the gnomAD v4.0.0 dataset (total allele frequency: <0.001%). Predicted Consequence/Location: Missense variant In silico tool predictions suggest damaging effect of the variant on gene or gene product [REVEL: 0.75 (>=0.6, sensitivity 0.68 and specificity 0.92); 3Cnet: 0.99 (>=0.6, sensitivity 0.72 and precision 0.9)]. The same nucleotide change resulting in the same amino acid change has been previously reported as pathogenic/likely pathogenic with strong evidence (ClinVar ID: VCV000553930 /PMID: 20623375). Therefore, this variant is classified as Likely pathogenic according to the recommendation of ACMG/AMP guideline.

Labcorp Genetics (formerly Invitae), Labcorp
Classification: Pathogenic for Walker-Warburg congenital muscular dystrophy. Last evaluated: 2023-12-20. Review status: criteria provided, single submitter. Criteria: Invitae Variant Classification Sherloc (09022015). Collection method: clinical testing. Allele origin: germline.
Comment: This sequence change replaces valine, which is neutral and non-polar, with leucine, which is neutral and non-polar, at codon 338 of the FKRP protein (p.Val338Leu). This variant is not present in population databases (gnomAD no frequency). This missense change has been observed in individuals with congenital muscular dystrophy and/or limb girdle muscular dystrophy (PMID: 20623375, 27671536, 33051673). It has also been observed to segregate with disease in related individuals. ClinVar contains an entry for this variant (Variation ID: 553930). Advanced modeling of protein sequence and biophysical properties (such as structural, functional, and spatial information, amino acid conservation, physicochemical variation, residue mobility, and thermodynamic stability) has been performed at Invitae for this missense variant, however the output from this modeling did not meet the statistical confidence thresholds required to predict the impact of this variant on FKRP protein function. For these reasons, this variant has been classified as Pathogenic.

Revvity Omics, Revvity
Classification: Likely pathogenic. Last evaluated: 2023-02-20. Review status: criteria provided, single submitter. Criteria: ACMG Guidelines, 2015. Collection method: clinical testing. Allele origin: germline.

Counsyl
Classification: Uncertain significance for Autosomal recessive limb-girdle muscular dystrophy type 2I. Last evaluated: 2017-09-20. Review status: no assertion criteria provided. Collection method: clinical testing. Allele origin: unknown. Not counted in ClinVar's aggregate classification.

Literature cited by the submitters: PubMed 20623375 (cited by 3 submitters); PubMed 27671536 (cited by Labcorp Genetics (formerly Invitae), Labcorp and Counsyl); PubMed 33051673 (cited by Labcorp Genetics (formerly Invitae), Labcorp).

NM_024301.5(FKRP):c.1012G>T (p.Val338Leu)

Gene: FKRP (fukutin related protein; plus strand). Cytogenetic location: 19q13.32.
Variant type: single nucleotide variant.
Coding change: c.1012G>T on transcript NM_024301.5 (MANE Select); coding-DNA position 1012, G replaced by T.
Protein change: p.Val338Leu; replaces valine 338 with leucine.
Molecular consequence: missense variant.
Genome position (GRCh38, 1-based): chr19:46,756,462, G>T. VCF-style: chr19-46756462-G-T. GRCh37 (hg19) VCF-style: chr19-47259719-G-T.
Other names: c.1012G>T, p.Val338Leu (NM_001039885.3); short protein forms V338L.
Identifiers: ClinVar variation 553930 (VCV000553930.14), dbSNP rs1173430388, ClinGen allele CA406496467.